The following is an entry in ClinVar:

NM_182961.4(SYNE1):c.9148C>G (p.Leu3050Val)

Gene: SYNE1 (spectrin repeat containing nuclear envelope protein 1; minus strand). Cytogenetic location: 6q25.2.
Variant type: single nucleotide variant.
Coding change: c.9148C>G on transcript NM_182961.4 (MANE Select); coding-DNA position 9148, C replaced by G.
Protein change: p.Leu3050Val; replaces leucine 3050 with valine.
Molecular consequence: missense variant.
Genome position (GRCh38, 1-based): chr6:152,376,557, G>C on the plus strand (C>G on the coding strand, the complement: SYNE1 is on the minus strand). VCF-style: chr6-152376557-G-C. GRCh37 (hg19) VCF-style: chr6-152697692-G-C.
Other names: c.9169C>G, p.Leu3057Val (NM_033071.5); short protein forms L3050V, L3057V.
Identifiers: ClinVar variation 198014 (VCV000198014.73), dbSNP rs117360770, ClinGen allele CA246486.

ClinVar aggregate classification (germline): Conflicting classifications of pathogenicity. Review status: criteria provided, conflicting classifications (1 of 4 stars). 11 submissions from 10 submitters: Uncertain significance (2); Benign (2); Likely benign (6). 1 of the submissions does not count toward it. Last evaluated 2026-08-01.

Conditions:
SYNE1-related disorder. Also called: SYNE1-related disease; SYNE1-related condition; SYNE1-related disorders.
Emery-Dreifuss muscular dystrophy 4, autosomal dominant (EDMD4). Also called: EMERY-DREIFUSS MUSCULAR DYSTROPHY 4 WITH VARIABLE FEATURES. Identifiers: Orphanet 261, MedGen C2751807, MONDO:0013071, OMIM 612998.
Autosomal recessive ataxia, Beauce type. Also called: SYNE1 Deficiency; ATAXIA, RECESSIVE, OF BEAUCE; Spinocerebellar ataxia, autosomal recessive 8; SYNE1-Related Autosomal Recessive Cerebellar Ataxia. Identifiers: Orphanet 88644, MedGen C1853116, MONDO:0012549, OMIM 610743.

Allele frequency attached by ClinVar (database versions not stated): 1000 Genomes Project 0.00120; 1000 Genomes Project 30x 0.00141; ExAC 0.00149; gnomAD exomes 0.00164; gnomAD 0.00166 and 0.00170; TOPMed 0.00173; ESP Exome Variant Server 0.00231.
gnomAD v4.1: 4,248 of 1,613,794 alleles (0.26%); highest among the groups gnomAD compares: Non-Finnish European, 0.33%; 8 homozygotes.

Submissions (11):

CeGaT Center for Human Genetics Tuebingen
Classification: Likely benign. Last evaluated: 2026-08-01. Review status: criteria provided, single submitter. Criteria: CeGaT Center For Human Genetics Tuebingen Variant Classification Criteria Version 2. Collection method: clinical testing. Allele origin: germline. Affected: yes. Observed: 21 variant alleles.
Comment: SYNE1: BP4, BS2

Labcorp Genetics (formerly Invitae), Labcorp
Classification: Likely benign for Emery-Dreifuss muscular dystrophy 4, autosomal dominant; Autosomal recessive ataxia, Beauce type. Last evaluated: 2026-01-18. Review status: criteria provided, single submitter. Criteria: Invitae Variant Classification Sherloc (09022015). Collection method: clinical testing. Allele origin: germline.

Blueprint Genetics
Classification: Likely benign. Last evaluated: 2024-11-26. Review status: criteria provided, single submitter. Criteria: ACMG Guidelines, 2015. Collection method: clinical testing. Allele origin: germline.

Mayo Clinic Laboratories, Mayo Clinic
Classification: Likely benign. Last evaluated: 2024-10-11. Review status: criteria provided, single submitter. Criteria: ACMG Guidelines, 2015. Collection method: clinical testing. Allele origin: germline. Observed: 7 variant alleles.
Comment: BS1, BP4

ARUP Laboratories, Molecular Genetics and Genomics, ARUP Laboratories
Classification: Uncertain significance. Last evaluated: 2023-11-01. Review status: criteria provided, single submitter. Criteria: ARUP Molecular Germline Variant Investigation Process 2024. Collection method: clinical testing. Allele origin: germline.

GeneDx
Classification: Likely benign. Last evaluated: 2020-07-22. Review status: criteria provided, single submitter. Criteria: GeneDx Variant Classification Process June 2021. Collection method: clinical testing. Allele origin: germline. Affected: yes.
Comment: This variant is associated with the following publications: (PMID: 24082139, 25976027, 28798025)

Athena Diagnostics
Classification: Benign. Last evaluated: 2018-10-02. Review status: criteria provided, single submitter. Criteria: Athena Diagnostics Criteria. Collection method: clinical testing. Allele origin: germline.

Illumina Laboratory Services, Illumina
Classification: Uncertain significance for Autosomal recessive ataxia, Beauce type. Last evaluated: 2018-01-13. Review status: criteria provided, single submitter. Criteria: ICSL Variant Classification Criteria 13 December 2019. Collection method: clinical testing. Allele origin: germline.

Illumina Laboratory Services, Illumina
Classification: Benign for Emery-Dreifuss muscular dystrophy 4, autosomal dominant. Last evaluated: 2018-01-13. Review status: criteria provided, single submitter. Criteria: ICSL Variant Classification Criteria 13 December 2019. Collection method: clinical testing. Allele origin: germline.
Comment: This variant was observed in the ICSL laboratory as part of a predisposition screen in an ostensibly healthy population. It had not been previously curated by ICSL or reported in the Human Gene Mutation Database (HGMD: prior to June 1st, 2018), and was therefore a candidate for classification through an automated scoring system. Utilizing variant allele frequency, disease prevalence and penetrance estimates, and inheritance mode, an automated score was calculated to assess if this variant is too frequent to cause the disease. Based on the score and internal cut-off values, a variant classified as benign is not then subjected to further curation. The score for this variant resulted in a classification of benign for this disease.

Eurofins Ntd Llc (ga)
Classification: Likely benign. Last evaluated: 2015-10-22. Review status: criteria provided, single submitter. Criteria: EGL Classification Definitions 2015. Collection method: clinical testing. Allele origin: germline. Observed: 7 variant alleles, 7 heterozygotes.

PreventionGenetics, part of Exact Sciences
Classification: Likely benign for SYNE1-related condition. Last evaluated: 2019-12-11. Review status: no assertion criteria provided. Collection method: clinical testing. Allele origin: germline. Not counted in ClinVar's aggregate classification.
Comment: This variant is classified as likely benign based on ACMG/AMP sequence variant interpretation guidelines (Richards et al. 2015 PMID: 25741868, with internal and published modifications).

Literature cited by the submitters: PubMed 25976027 (cited by Mayo Clinic Laboratories, Mayo Clinic and Athena Diagnostics); PubMed 28798025 (cited by Mayo Clinic Laboratories, Mayo Clinic); PubMed 34426522 (cited by Mayo Clinic Laboratories, Mayo Clinic).